The following is an entry in ClinVar:

ClinVar aggregate classification (germline): Conflicting classifications of pathogenicity. Review status: criteria provided, conflicting classifications (1 of 4 stars). 2 submissions from 2 submitters: Uncertain significance (1); Likely benign (1). Last evaluated 2026-07-01.

gnomAD v4.1: 18 of 1,613,900 alleles (0.0011%); highest among the groups gnomAD compares: Admixed American, 0.028%; no homozygotes.

Submissions (2):

CeGaT Center for Human Genetics Tuebingen
Classification: Likely benign. Last evaluated: 2026-07-01. Review status: criteria provided, single submitter. Criteria: CeGaT Center For Human Genetics Tuebingen Variant Classification Criteria Version 2. Collection method: clinical testing. Allele origin: germline. Affected: yes. Observed: 1 variant allele.
Comment: ZNF750: BP4, BS2

Ambry Genetics
Classification: Uncertain significance. Last evaluated: 2025-10-29. Review status: criteria provided, single submitter. Criteria: Ambry Variant Classification Scheme 2023. Collection method: clinical testing. Allele origin: germline.

NM_024702.3(ZNF750):c.1133A>T (p.Glu378Val)

Genes: TBCD (tubulin folding cofactor D), ZNF750 (zinc finger protein 750; minus strand). Cytogenetic location: 17q25.3.
Variant type: single nucleotide variant.
Coding change: c.1133A>T on transcript NM_024702.3 (MANE Select); coding-DNA position 1133, A replaced by T.
Protein change: p.Glu378Val; replaces glutamic acid 378 with valine.
Molecular consequence: missense variant. On other transcripts: intron variant (5).
Genome position (GRCh38, 1-based): chr17:82,831,322, T>A on the plus strand (A>T on the coding strand, the complement: ZNF750 is on the minus strand). VCF-style: chr17-82831322-T-A. GRCh37 (hg19) VCF-style: chr17-80789198-T-A.
Other names: c.1318+16388T>A (NM_005993.5, NM_001411102.1, NM_001437989.1); c.1267+16388T>A (NM_001411101.1); c.1129+16388T>A (NM_001438250.1); short protein forms E378V.
Identifiers: ClinVar variation 4611842 (VCV004611842.2).